The following is an entry in ClinVar:

NM_021956.5(GRIK2):c.2663AAG[1] (p.Glu889del)

Gene: GRIK2 (glutamate ionotropic receptor kainate type subunit 2; plus strand). Cytogenetic location: 6q16.3.
Variant type: Microsatellite.
Coding change: c.2663AAG[1] on transcript NM_021956.5 (MANE Select); one copy of the 3-base unit AAG starting at c.2663; the reference has two copies in a row; one copy, 3 bases deleted.
Protein change: p.Glu889del; deletes glutamic acid 889.
Molecular consequence: 3 prime UTR variant (on NM_001166247.1).
Genome position (GRCh38, 1-based): chr6:102,068,450-102,068,452, AAG deleted; deleting any 3 consecutive bases within chr6:102,068,445-102,068,452 gives the same sequence; the position shown is the placement nearest the transcript's 3' end. VCF-style (leftmost placement, unchanged base first): chr6-102068444-CAGA-C. GRCh37 (hg19) VCF-style: chr6-102516319-CAGA-C.
Other names: c.*116AAG[1] (NM_001166247.1); c.*140AAG[1] (NM_175768.3); short protein forms E889del.
Identifiers: ClinVar variation 3376207 (VCV003376207.1).

ClinVar aggregate classification (germline): Uncertain significance (1 of 4 stars; one submission).

Conditions:
Neurodevelopmental disorder with impaired language and ataxia and with or without seizures. Identifiers: MedGen C5562006, MONDO:0859201, OMIM 619580.

Submission:

Pittsburgh Clinical Genomics Laboratory, University of Pittsburgh Medical Center
Classification: Uncertain significance for Neurodevelopmental disorder with impaired language and ataxia and with or without seizures. Last evaluated: 2022-09-13. Review status: criteria provided, single submitter. Criteria: ACMG Guidelines, 2015. Collection method: clinical testing. Allele origin: germline. Inheritance: Autosomal dominant inheritance. Affected: yes.
Comment: This sequence variant an in-frame deletion of coding nucleotides 2666 through 2668 (delAGA) in the GRIK2 gene which results in the deletion of glutamic acid amino acid at residue 889 in the GRIK2 protein. This variant has not been reported in clinical genetics databases or observed in the medical literature in individuals with GRIK2-related disease, to our knowledge. This variant is present in 2/250536 alleles (0.0008%) in the gnomAD control population database. The variant does not occur in a known functiol domain of GRIK2. Glutamine is highly conserved at this protein position in vertebrates, but functiol studies testing the effects of this variant have not been performed, to our knowledge. At this time, there is insufficient evidence to determine if this variant is pathogenic or benign. Therefore, we consider it to be a variant of uncertain significance. ACMG Criteria: PM2, PM4